The following is an entry in ClinVar:

ClinVar aggregate classification (germline): Uncertain significance. Review status: criteria provided, multiple submitters, no conflicts (2 of 4 stars). 2 submissions from 2 submitters: Uncertain significance (2). Last evaluated 2025-08-30.

Conditions:
Cardiac arrhythmia. Also called: Arrhythmia; Cardiac rhythm disease. Identifiers: MedGen C0003811, MONDO:0007263, HP:0011675.

Allele frequency attached by ClinVar (database versions not stated): TOPMed 0.00012; gnomAD 0.00013 and 0.00014; ESP Exome Variant Server 0.00023; 1000 Genomes Project 0.00040; 1000 Genomes Project 30x 0.00031.
gnomAD v4.1: 34 of 1,614,202 alleles (0.0021%); highest among the groups gnomAD compares: African/African-American, 0.044%; no homozygotes.

Submissions (2):

Labcorp Genetics (formerly Invitae), Labcorp
Classification: Uncertain significance for Cardiac arrhythmia. Last evaluated: 2025-08-30. Review status: criteria provided, single submitter. Criteria: Invitae Variant Classification Sherloc (09022015). Collection method: clinical testing. Allele origin: germline.
Comment: This sequence change replaces valine, which is neutral and non-polar, with methionine, which is neutral and non-polar, at codon 122 of the RANGRF protein (p.Val122Met). This variant is present in population databases (rs151189313, gnomAD 0.04%). This variant has not been reported in the literature in individuals affected with RANGRF-related conditions. ClinVar contains an entry for this variant (Variation ID: 190843). An algorithm developed to predict the effect of missense changes on protein structure and function (PolyPhen-2) suggests that this variant is likely to be disruptive. In summary, the available evidence is currently insufficient to determine the role of this variant in disease. Therefore, it has been classified as a Variant of Uncertain Significance.

GeneDx
Classification: Uncertain significance. Last evaluated: 2024-11-05. Review status: criteria provided, single submitter. Criteria: GeneDx Variant Classification Process June 2021. Collection method: clinical testing. Allele origin: germline. Affected: yes.
Comment: Has not been previously published as pathogenic or benign to our knowledge; In silico analysis supports that this missense variant does not alter protein structure/function; Variants in candidate genes are classified as variants of uncertain significance in accordance with ACMG guidelines (PMID: 25741868)

NM_016492.5(RANGRF):c.364G>A (p.Val122Met)

Genes: RANGRF (RAN guanine nucleotide release factor; plus strand), SLC25A35 (solute carrier family 25 member 35; minus strand). Cytogenetic location: 17p13.1.
Variant type: single nucleotide variant.
Coding change: c.364G>A on transcript NM_016492.5 (MANE Select); coding-DNA position 364, G replaced by A.
Protein change: p.Val122Met; replaces valine 122 with methionine.
Molecular consequence: missense variant. On other transcripts: 3 prime UTR variant (1), non-coding transcript variant (1), intron variant (3).
Genome position (GRCh38, 1-based): chr17:8,289,515, G>A. VCF-style: chr17-8289515-G-A. GRCh37 (hg19) VCF-style: chr17-8192833-G-A.
Other names: p.V122M:GTG>ATG; c.364G>A, p.Val122Met (NM_001177801.2); c.452G>A, p.Arg151His (NM_001177802.2); c.*101C>T (NM_201520.3); c.*42+59C>T (NM_001320871.2, NM_001320872.2); c.351+101G>A (NM_001330127.2); short protein forms V122M, R151H.
Identifiers: ClinVar variation 190843 (VCV000190843.13), dbSNP rs151189313, ClinGen allele CA302121.